The following is an entry in ClinVar:

NM_000574.5(CD55):c.665-8T>A

Gene: CD55 (CD55 molecule (Cromer blood group); plus strand). Cytogenetic location: 1q32.2.
Variant type: single nucleotide variant.
Coding change: c.665-8T>A on transcript NM_000574.5 (MANE Select); 8 bases into the intron before coding-DNA position 665, T replaced by A.
Molecular consequence: intron variant.
Genome position (GRCh38, 1-based): chr1:207,331,100, T>A. VCF-style: chr1-207331100-T-A. GRCh37 (hg19) VCF-style: chr1-207504445-T-A.
Other names: c.665-8T>A (NM_001114752.3, NM_001300903.2, NM_001300904.2 and 1 more transcripts).
Identifiers: ClinVar variation 1417548 (VCV001417548.6), dbSNP rs774158242, ClinGen allele CA1368072.

ClinVar aggregate classification (germline): Uncertain significance (1 of 4 stars; one submission).

Allele frequency attached by ClinVar (database versions not stated): TOPMed 0.00001; ExAC 0.00005; gnomAD exomes 0.00005.
gnomAD v4.1: 13 of 1,590,242 alleles (0.00082%); highest among the groups gnomAD compares: Admixed American, 0.023%; no homozygotes.

Submission:

Labcorp Genetics (formerly Invitae), Labcorp
Classification: Uncertain significance. Last evaluated: 2022-05-27. Review status: criteria provided, single submitter. Criteria: Invitae Variant Classification Sherloc (09022015). Collection method: clinical testing. Allele origin: germline.
Comment: This sequence change falls in intron 5 of the CD55 gene. It does not directly change the encoded amino acid sequence of the CD55 protein. This variant is present in population databases (rs774158242, gnomAD 0.04%). This variant has not been reported in the literature in individuals affected with CD55-related conditions. Algorithms developed to predict the effect of sequence changes on RNA splicing suggest that this variant may disrupt the consensus splice site. In summary, the available evidence is currently insufficient to determine the role of this variant in disease. Therefore, it has been classified as a Variant of Uncertain Significance.